The following is an entry in ClinVar:

ClinVar aggregate classification (germline): Pathogenic. Review status: reviewed by expert panel (3 of 4 stars). 25 submissions from 25 submitters: Pathogenic (1). 24 of the submissions do not count toward it. Last evaluated 2025-05-20.

Conditions:
RPGR-related retinopathy. Also called: RPGR retinopathy. Identifiers: MedGen CN305589, MONDO:0100437.
Myopia 25, autosomal dominant (MYP25). Identifiers: MedGen C4310655, MONDO:0014982, OMIM 617238.
RPGR-related disorder. Also called: RPGR-related condition.
Inborn genetic diseases. Identifiers: MedGen C0950123, MeSH D030342.
Retinal dystrophy. Also called: Inherited retinal dystrophy. Identifiers: Orphanet 71862, MedGen C0854723, MeSH D058499, MONDO:0019118, HP:0000556.
Retinitis pigmentosa 3. Also called: CHOROIDORETINAL DEGENERATION WITH RETINAL REFLEX IN HETEROZYGOUS WOMEN. Identifiers: Orphanet 791, MedGen C1845667, MONDO:0010227, OMIM 300029.
Retinitis pigmentosa, X-linked, and sinorespiratory infections, with or without deafness (RPSRDF). Identifiers: Orphanet 247522, MedGen C2749137, OMIM 300455.
X-linked cone-rod dystrophy 1 (CORDX1). Identifiers: Orphanet 1872, MedGen C1844776, MONDO:0010566, OMIM 304020.
Macular degeneration, X-linked atrophic. Identifiers: Orphanet 1872, MedGen C3151784, MONDO:0010443, OMIM 300834.
Primary ciliary dyskinesia. Also called: Ciliary dyskinesia. Identifiers: Orphanet 244, MedGen C0008780, MONDO:0016575, HP:0012265.
Retinitis pigmentosa (RP). Identifiers: Orphanet 791, MedGen C0035334, MeSH D012174, MONDO:0019200, OMIM 268000. Inheritance: Autosomal dominant, autosomal recessive and X linked inheritance.
Retinal disorder. Also called: Retinopathies; Retinal Diseases; Retinal disorders; Retinopathy. Identifiers: MedGen C0035309, MONDO:0005283, HP:0000488.
High myopia, early-onset. Identifiers: MedGen C5394216.

Submissions 1 to 11 of 25:

ClinGen X-linked Inherited Retinal Disease Variant Curation Expert Panel, ClinGen
Classification: Pathogenic for RPGR-related retinopathy. Last evaluated: 2025-05-20. Review status: reviewed by expert panel. Criteria: ClinGen X LinkedIRD ACMG Specifications RPGR V1.0.0. Collection method: curation. Allele origin: germline. Inheritance: X-linked inheritance.
Comment: NM_001034853.2(RPGR):c.2405_2406del (p.Glu802GlyfsTer?) is a frameshift variant that introduces a premature stop codon into exon 15 of 15 before amino acid 1132, which is predicted not to trigger nonsense-mediated decay but rather to disrupt a critical C-terminal region required for proper glutamylation of RPGR (PVS1, PMID: 36445968). This variant is absent from hemizygous individuals in gnomAD v4.1.0 (PM2_supporting). This variant has been reported in at least 6 apparently unrelated probands meeting the PS4 requirement of some functional vision impairment in affected males by age 30 years and/or decreased or absent cone and/or rod electroretinogram responses (PMID: 34745198, 29453956, PS4). The variant has been reported to segregate with retinal dystrophy through at least 4 affected meioses from at least 2 families (PP1_strong, PMID: 34745198, 21857984). In summary, this variant is classified as pathogenic for RPGR-related retinopathy based on the ClinGen X-linked Inherited Retinal Disease Expert Panel Specifications to the ACMG/AMP Variant Interpretation Guidelines for RPGR Version 1.0.0; PVS1, PS4, PM2_supporting, and PP1_strong. (date of approval 05/16/2025).

PreventionGenetics, part of Exact Sciences
Classification: Pathogenic for RPGR-related condition. Last evaluated: 2026-08-01. Review status: criteria provided, single submitter. Criteria: ACMG Guidelines, 2015. Collection method: clinical testing. Allele origin: germline. Not counted in ClinVar's aggregate classification.
Comment: The RPGR c.2405_2406delAG variant is predicted to result in a frameshift and premature protein termination (p.Glu802Glyfs*32). This variant can also be denoted as g.ORF15+652_653delAG. This variant has been reported multiple times in individuals with X-linked retinitis pigmentosa (Vervoort et al. 2000. PubMed ID: 10932196; Bravo-Gil et al. 2016. PubMed ID: 27032803; Gao et al. 2019. PubMed ID: 31054281). This variant is absent in a large population database (gnomAD), indicating this variant is rare. Frameshift variants in exon 15 of RPGR (also known as ORF15) have been well-documented to cause X-linked retinitis pigmentosa (Shu et al. 2007. PubMed ID: 17195164). Given the evidence, we interpret this variant as pathogenic.

Genetics Laboratory, Great Ormond Street Hospital NHS Foundation Trust, North Thames Genomic Laboratory Hub
Classification: Likely pathogenic for Retinal disorders. Last evaluated: 2026-06-16. Review status: criteria provided, single submitter. Criteria: ACGS Best Practice Guidelines for Variant Classification in Rare Disease 2024 v1.2. Collection method: clinical testing. Allele origin: germline. Affected: yes. Not counted in ClinVar's aggregate classification.
Comment: PS4_moderate, PM2_moderate, PVS1_strong

North West Genomic Laboratory Hub, Manchester University NHS Foundation Trust
Classification: Pathogenic for Retinal disorders. Last evaluated: 2026-03-12. Review status: criteria provided, single submitter. Criteria: ACGS Best Practice Guidelines for Variant Classification in Rare Disease 2020. Collection method: clinical testing. Allele origin: germline. Affected: yes. Not counted in ClinVar's aggregate classification.
Comment: PVS1_VStr PS4_Mod PM2_Mod

Labcorp Genetics (formerly Invitae), Labcorp
Classification: Pathogenic for Primary ciliary dyskinesia. Last evaluated: 2026-01-24. Review status: criteria provided, single submitter. Criteria: Invitae Variant Classification Sherloc (09022015). Collection method: clinical testing. Allele origin: germline. Not counted in ClinVar's aggregate classification.
Comment: This sequence change creates a premature translational stop signal (p.Glu802Glyfs*32) in the RPGR (ORF15) gene. While this is not anticipated to result in nonsense mediated decay, it is expected to disrupt the last 351 amino acid(s) of the RPGR (ORF15) protein. This variant is not present in population databases (gnomAD no frequency). This premature translational stop signal has been observed in individuals with retinitis pigmentosa (PMID: 10932196, 18552978, 20021257, 22264887, 25544989). It has also been observed to segregate with disease in related individuals. This variant is also known as g.ORF15+652_653delAG. ClinVar contains an entry for this variant (Variation ID: 91389). This variant disrupts a region of the RPGR (ORF15) protein in which other variant(s) (p.Leu1130Lysfs*13) have been determined to be pathogenic (PMID: 22264887; internal data). This suggests that this is a clinically significant region of the protein, and that variants that disrupt it are likely to be disease-causing. For these reasons, this variant has been classified as Pathogenic.

3billion
Classification: Pathogenic for RPGR-related disorder. Last evaluated: 2026-01-07. Review status: criteria provided, single submitter. Criteria: ACMG Guidelines, 2015. Collection method: clinical testing. Allele origin: germline. Affected: yes. Not counted in ClinVar's aggregate classification.
Comment: The variant is observed at an extremely low frequency in the gnomAD v4.1.0 dataset (total allele frequency: <0.001%). Predicted Consequence/Location: Frameshift: predicted to result in a loss or disruption of normal protein function through protein truncation. Multiple pathogenic variants are reported in the predicted truncated region. The variant has been reported multiple times as an established pathogenic variant (ClinVar ID: VCV000091389 /PMID: 33372982 /3billion dataset). Therefore, this variant is classified as Pathogenic according to the recommendation of ACMG/AMP guideline.

Dasa
Classification: Pathogenic. Last evaluated: 2025-11-01. Review status: criteria provided, single submitter. Criteria: DASA Assertion Criteria. Collection method: clinical testing. Allele origin: germline. Not counted in ClinVar's aggregate classification.
Comment: NM_001034853.2(RPGR):c.2405_2406del (p.Glu802Glyfs*32) is a frameshift variant in RPGR predicted to alter the reading frame and introduce a premature termination codon and is predicted to result in an absent or altered protein product. Loss of function is an established disease mechanism for RPGR-associated disorders. This variant has been recurrently observed in individuals with RPGR-related disorders (PMID: 34745198; PMID: 21857984; PMID: 25544989). Segregation data support an association with disease in the reported family/families (PMID: 34745198; PMID: 21857984; PMID: 25544989). Also, this variant is rare in population databases. Based on the currently available evidence, this variant is classified as pathogenic.

Laboratory of Genetics, Children's Clinical University Hospital Latvia
Classification: Pathogenic. Last evaluated: 2025-02-16. Review status: criteria provided, single submitter. Criteria: ACMG Guidelines, 2015. Collection method: clinical testing. Allele origin: germline. Affected: yes. Not counted in ClinVar's aggregate classification.

Blueprint Genetics
Classification: Pathogenic for RPGR-related disorders. Last evaluated: 2024-11-22. Review status: criteria provided, single submitter. Criteria: ACMG Guidelines, 2015. Collection method: clinical testing. Allele origin: germline. Affected: yes. Observed: 5 variant alleles. Not counted in ClinVar's aggregate classification.

CeGaT Center for Human Genetics Tuebingen
Classification: Pathogenic. Last evaluated: 2024-02-01. Review status: criteria provided, single submitter. Criteria: CeGaT Center For Human Genetics Tuebingen Variant Classification Criteria Version 2. Collection method: clinical testing. Allele origin: germline. Affected: yes. Observed: 5 variant alleles. Not counted in ClinVar's aggregate classification.
Comment: RPGR: PP1:Strong, PVS1:Strong, PM2, PS4:Moderate

Dept Of Ophthalmology, Nagoya University
Classification: Likely pathogenic for Retinal dystrophy. Last evaluated: 2023-10-01. Review status: criteria provided, single submitter. Criteria: Submitter's publication. Collection method: research. Allele origin: germline. Affected: yes. Not counted in ClinVar's aggregate classification.

NM_001034853.2(RPGR):c.2405_2406del (p.Glu802fs)

Gene: RPGR (retinitis pigmentosa GTPase regulator; minus strand). Cytogenetic location: Xp11.4.
Variant type: Microsatellite.
Coding change: c.2405_2406del on transcript NM_001034853.2 (MANE Select); coding-DNA positions 2405 to 2406, 2 bases deleted (AG; older notation c.2405_2406delAG).
Protein change: p.Glu802fs; shifts the reading frame from glutamic acid 802.
Molecular consequence: frameshift variant. On other transcripts: intron variant (8).
Genome position (GRCh38, 1-based): chrX:38,286,593-38,286,594, CT deleted on the plus strand (AG on the coding strand, the reverse complement: RPGR is on the minus strand); deleting any 2 consecutive bases within chrX:38,286,593-38,286,596 gives the same sequence; the c. name uses the placement nearest the transcript's 3' end. VCF-style (leftmost placement, unchanged base first): chrX-38286592-CCT-C. GRCh37 (hg19) VCF-style: chrX-38145845-CCT-C.
Other names: ORF15+652_653delAG; NC_000023.10:g.38145848_38145849del; NP_001030025.1:p.(Glu802GlyfsTer32); NM_001034853.2(RPGR):c.2405_2406del; p.Glu802fs; c.1569+4365_1569+4366del (NM_001367249.1, NM_001367250.1); c.1902+500_1902+501del (NM_001367245.1); c.1386+4365_1386+4366del (NM_001367251.1); and 5 more; short protein forms E802fs.
Identifiers: ClinVar variation 91389 (VCV000091389.76), dbSNP rs398122960, ClinGen allele CA266215.